The following is an entry in ClinVar:

NM_002451.4(MTAP):c.*2539A>G

Gene: MTAP (methylthioadenosine phosphorylase; plus strand). Cytogenetic location: 9p21.3.
Variant type: single nucleotide variant.
Coding change: c.*2539A>G on transcript NM_002451.4 (MANE Select); 2539 bases downstream of the stop codon, A replaced by G.
Molecular consequence: 3 prime UTR variant.
Genome position (GRCh38, 1-based): chr9:21,864,553, A>G. VCF-style: chr9-21864553-A-G. GRCh37 (hg19) VCF-style: chr9-21864552-A-G.
Identifiers: ClinVar variation 366297 (VCV000366297.5), dbSNP rs10123713, ClinGen allele CA10633248.
Genomic context (GRCh38, chr9:21,864,553, plus strand): 5'-CATGTACATAGAAGTCTTTGTTGGCCTTATAATCTGCTGTTATATTTGGCATGGATTTTC[A>G]TGGTTTTGAGAATGACATCCTGGCCCTGTGGTCCCCGAGGGTCATGGTCCTTGTGACCTG-3'

ClinVar aggregate classification (germline): Benign (1 of 4 stars; one submission).

Conditions:
Diaphyseal medullary stenosis-bone malignancy syndrome. Also called: MYOPATHY, LIMB-GIRDLE, WITH BONE FRAGILITY; BONE DYSPLASIA WITH MALIGNANT FIBROUS HISTIOCYTOMA; BONE DYSPLASIA WITH MEDULLARY FIBROSARCOMA. Identifiers: Orphanet 85182, MedGen C1862177, MONDO:0007205, OMIM 112250.

Allele frequency attached by ClinVar (database versions not stated): gnomAD exomes 0.00205; 1000 Genomes Project 0.02356; gnomAD 0.02420 and 0.02620; 1000 Genomes Project 30x 0.02577; TOPMed 0.02767.
gnomAD v4.1: 5,450 of 985,284 alleles (0.55%); highest among the groups gnomAD compares: African/African-American, 8.2%; 208 homozygotes.

Submission:

Illumina Laboratory Services, Illumina
Classification: Benign for Diaphyseal medullary stenosis-bone malignancy syndrome. Last evaluated: 2018-01-13. Review status: criteria provided, single submitter. Criteria: ICSL Variant Classification Criteria 13 December 2019. Collection method: clinical testing. Allele origin: germline.
Comment: This variant was observed in the ICSL laboratory as part of a predisposition screen in an ostensibly healthy population. It had not been previously curated by ICSL or reported in the Human Gene Mutation Database (HGMD: prior to June 1st, 2018), and was therefore a candidate for classification through an automated scoring system. Utilizing variant allele frequency, disease prevalence and penetrance estimates, and inheritance mode, an automated score was calculated to assess if this variant is too frequent to cause the disease. Based on the score and internal cut-off values, a variant classified as benign is not then subjected to further curation. The score for this variant resulted in a classification of benign for this disease.